The following is an entry in ClinVar:

ClinVar aggregate classification (germline): Likely pathogenic (1 of 4 stars; one submission).

Conditions:
Porencephaly-microcephaly-bilateral congenital cataract syndrome. Identifiers: Orphanet 306547, MedGen C3151000, MONDO:0013394, OMIM 613730.

Submission:

Centre for Mendelian Genomics, University Medical Centre Ljubljana
Classification: Likely pathogenic for Porencephaly-microcephaly-bilateral congenital cataract syndrome. Last evaluated: 2020-02-05. Review status: criteria provided, single submitter. Criteria: ACMG Guidelines, 2015. Collection method: clinical testing. Allele origin: unknown. Affected: yes.
Comment: This variant was classified as: Likely pathogenic. The following ACMG criteria were applied in classifying this variant: PVS1,PM2.

NM_032801.5(JAM3):c.2T>A (p.Met1Lys)

Gene: JAM3 (junctional adhesion molecule 3; plus strand). Cytogenetic location: 11q25.
Variant type: single nucleotide variant.
Coding change: c.2T>A on transcript NM_032801.5 (MANE Select); coding-DNA position 2, T replaced by A.
Protein change: p.Met1Lys; changes the start codon (methionine 1).
Molecular consequence: missense variant, initiator codon variant.
Genome position (GRCh38, 1-based): chr11:134,069,085, T>A. VCF-style: chr11-134069085-T-A. GRCh37 (hg19) VCF-style: chr11-133938980-T-A.
Other names: c.2T>A, p.Met1Lys (NM_001205329.2); short protein forms M1K.
Identifiers: ClinVar variation 931312 (VCV000931312.4), dbSNP rs397514678, ClinGen allele CA383663907.
Genomic context (GRCh38, chr11:134,069,085, plus strand): 5'-ATGCGCGCGGGGACTACAAGCCGCGCCGCGCTGCCGCTGGCCCCTCAGCAACCCTCGACA[T>A]GGCGCTGAGGCGGCCACCGCGACTCCGGCTCTGCGCTCGGCTGCCTGACTTCTTCCTGCT-3'
Protein context (NP_116190.3, residues 1-11): [Met1Lys]ALRRPPRLRL